The following is an entry in ClinVar:

ClinVar aggregate classification (germline): Benign/Likely benign. Review status: criteria provided, multiple submitters, no conflicts (2 of 4 stars). 3 submissions from 3 submitters: Benign (1); Likely benign (2). Last evaluated 2018-10-27.

Conditions:
Cenani-Lenz syndactyly syndrome. Also called: CENANI SYNDACTYLISM; SYNDACTYLY, TYPE VII. Identifiers: Orphanet 3258, MedGen C1859309, MONDO:0008931, OMIM 212780.

Allele frequency attached by ClinVar (database versions not stated): 1000 Genomes Project 0.00220; 1000 Genomes Project 30x 0.00281; gnomAD 0.00832 and 0.00852; TOPMed 0.00862.
gnomAD v4.1: 17,174 of 1,547,398 alleles (1.1%); highest among the groups gnomAD compares: Non-Finnish European, 1.3%; 106 homozygotes.

Submissions (3):

GeneDx
Classification: Likely benign. Last evaluated: 2018-10-27. Review status: criteria provided, single submitter. Criteria: GeneDx Variant Classification Process June 2021. Collection method: clinical testing. Allele origin: germline. Affected: yes.

Illumina Laboratory Services, Illumina
Classification: Benign for Cenani-Lenz syndactyly syndrome. Last evaluated: 2017-04-27. Review status: criteria provided, single submitter. Criteria: ICSL Variant Classification Criteria 13 December 2019. Collection method: clinical testing. Allele origin: germline.
Comment: This variant was observed as part of a predisposition screen in an ostensibly healthy population. A literature search was performed for the gene, cDNA change, and amino acid change (where applicable). No publications were found based on this search. Allele frequency data from public databases was too high to be consistent with this variant causing disease. Therefore, this variant is classified as benign.

Breakthrough Genomics
Classification: Likely benign. Review status: criteria provided, single submitter. Criteria: ACMG Guidelines, 2015. Collection method: not provided. Allele origin: germline. Inheritance: Autosomal recessive inheritance. Affected: yes.

NM_002334.4(LRP4):c.*54G>A

Genes: LRP4 (LDL receptor related protein 4; minus strand), LRP4-AS1 (LRP4 antisense RNA 1; plus strand). Cytogenetic location: 11p11.2.
Variant type: single nucleotide variant.
Coding change: c.*54G>A on transcript NM_002334.4 (MANE Select); 54 bases downstream of the stop codon, G replaced by A.
Molecular consequence: 3 prime UTR variant.
Genome position (GRCh38, 1-based): chr11:46,858,929, C>T on the plus strand (G>A on the coding strand, the complement: LRP4 is on the minus strand). VCF-style: chr11-46858929-C-T. GRCh37 (hg19) VCF-style: chr11-46880480-C-T.
Identifiers: ClinVar variation 878833 (VCV000878833.8), dbSNP rs147627264, ClinGen allele CA221659152.